The following is an entry in ClinVar:

ClinVar aggregate classification (germline): Uncertain significance (1 of 4 stars; one submission).

Allele frequency attached by ClinVar (database versions not stated): gnomAD exomes below 0.00001; ExAC 0.00001; ESP Exome Variant Server 0.00008.
gnomAD v4.1: 1 of 1,608,886 alleles (0.000062%); highest among the groups gnomAD compares: Non-Finnish European, 0.000085%; no homozygotes.

Submission:

Labcorp Genetics (formerly Invitae), Labcorp
Classification: Uncertain significance. Last evaluated: 2022-09-01. Review status: criteria provided, single submitter. Criteria: Invitae Variant Classification Sherloc (09022015). Collection method: clinical testing. Allele origin: germline.
Comment: In summary, the available evidence is currently insufficient to determine the role of this variant in disease. Therefore, it has been classified as a Variant of Uncertain Significance. Experimental studies and prediction algorithms are not available or were not evaluated, and the functional significance of this variant is currently unknown. ClinVar contains an entry for this variant (Variation ID: 1504486). This variant has not been reported in the literature in individuals affected with COL18A1-related conditions. This variant is present in population databases (rs373670175, gnomAD 0.0009%). This sequence change replaces proline, which is neutral and non-polar, with serine, which is neutral and polar, at codon 448 of the COL18A1 protein (p.Pro448Ser).

NM_001379500.1(COL18A1):c.1342C>T (p.Pro448Ser)

Gene: COL18A1 (collagen type XVIII alpha 1 chain; plus strand). Cytogenetic location: 21q22.3.
Variant type: single nucleotide variant.
Coding change: c.1342C>T on transcript NM_001379500.1 (MANE Select); coding-DNA position 1342, C replaced by T.
Protein change: p.Pro448Ser; replaces proline 448 with serine.
Molecular consequence: missense variant.
Genome position (GRCh38, 1-based): chr21:45,480,100, C>T. VCF-style: chr21-45480100-C-T. GRCh37 (hg19) VCF-style: chr21-46900014-C-T.
Other names: c.1882C>T, p.Pro628Ser (NM_030582.4); c.2587C>T, p.Pro863Ser (NM_130444.3); short protein forms P863S, P628S, P448S.
Identifiers: ClinVar variation 1504486 (VCV001504486.6), dbSNP rs373670175, ClinGen allele CA10066268.